The following is an entry in ClinVar:

NM_014516.4(CNOT3):c.258+3A>G

Gene: CNOT3 (CCR4-NOT transcription complex subunit 3; plus strand). Cytogenetic location: 19q13.42.
Variant type: single nucleotide variant.
Coding change: c.258+3A>G on transcript NM_014516.4 (MANE Select); 3 bases into the intron after coding-DNA position 258, A replaced by G.
Molecular consequence: intron variant.
Genome position (GRCh38, 1-based): chr19:54,143,752, A>G. VCF-style: chr19-54143752-A-G. GRCh37 (hg19) VCF-style: chr19-54647488-A-G.
Identifiers: ClinVar variation 3393819 (VCV003393819.1).

ClinVar aggregate classification (germline): Uncertain significance (1 of 4 stars; one submission).

Submission:

GeneDx
Classification: Uncertain significance. Last evaluated: 2024-07-04. Review status: criteria provided, single submitter. Criteria: GeneDx Variant Classification Process June 2021. Collection method: clinical testing. Allele origin: germline. Affected: yes.
Comment: Not observed at significant frequency in large population cohorts (gnomAD); In silico analysis is inconclusive as to whether the variant alters gene splicing. In the absence of RNA/functional studies, the actual effect of this sequence change is unknown.; Has not been previously published as pathogenic or benign to our knowledge